The following is an entry in ClinVar:

ClinVar aggregate classification (germline): Conflicting classifications of pathogenicity. Review status: criteria provided, conflicting classifications (1 of 4 stars). 2 submissions from 2 submitters: Uncertain significance (1); Likely benign (1). Last evaluated 2023-08-04.

Conditions:
Severe combined immunodeficiency due to DNA-PKcs deficiency. Also called: IMMUNODEFICIENCY 26 WITH NEUROLOGIC ABNORMALITIES; Immunodeficiency 26 with or without neurologic abnormalities. Identifiers: Orphanet 317425, MedGen C4014833, MONDO:0014423, OMIM 615966.

Allele frequency attached by ClinVar (database versions not stated): gnomAD exomes below 0.00001 and 0.00001; gnomAD 0.00001; TOPMed 0.00001.
gnomAD v4.1: 8 of 1,594,506 alleles (0.0005%); highest among the groups gnomAD compares: African/African-American, 0.0067%; no homozygotes.

Submissions (2):

Labcorp Genetics (formerly Invitae), Labcorp
Classification: Uncertain significance for Severe combined immunodeficiency due to DNA-PKcs deficiency. Last evaluated: 2023-08-04. Review status: criteria provided, single submitter. Criteria: Invitae Variant Classification Sherloc (09022015). Collection method: clinical testing. Allele origin: germline.
Comment: This sequence change replaces tyrosine, which is neutral and polar, with cysteine, which is neutral and slightly polar, at codon 1437 of the PRKDC protein (p.Tyr1437Cys). The frequency data for this variant in the population databases is considered unreliable, as metrics indicate poor data quality at this position in the gnomAD database. This variant has not been reported in the literature in individuals affected with PRKDC-related conditions. ClinVar contains an entry for this variant (Variation ID: 1047520). Advanced modeling of protein sequence and biophysical properties (such as structural, functional, and spatial information, amino acid conservation, physicochemical variation, residue mobility, and thermodynamic stability) performed at Invitae indicates that this missense variant is not expected to disrupt PRKDC protein function. In summary, the available evidence is currently insufficient to determine the role of this variant in disease. Therefore, it has been classified as a Variant of Uncertain Significance.

Blueprint Genetics
Classification: Likely benign. Last evaluated: 2023-03-03. Review status: criteria provided, single submitter. Criteria: ACMG Guidelines, 2015. Collection method: clinical testing. Allele origin: germline.

NM_006904.7(PRKDC):c.4310A>G (p.Tyr1437Cys)

Gene: PRKDC (protein kinase, DNA-activated, catalytic subunit; minus strand). Cytogenetic location: 8q11.21.
Variant type: single nucleotide variant.
Coding change: c.4310A>G on transcript NM_006904.7 (MANE Select); coding-DNA position 4310, A replaced by G.
Protein change: p.Tyr1437Cys; replaces tyrosine 1437 with cysteine.
Molecular consequence: missense variant.
Genome position (GRCh38, 1-based): chr8:47,888,621, T>C on the plus strand (A>G on the coding strand, the complement: PRKDC is on the minus strand). VCF-style: chr8-47888621-T-C. GRCh37 (hg19) VCF-style: chr8-48801182-T-C.
Other names: c.4310A>G, p.Tyr1437Cys (NM_001081640.2); short protein forms Y1437C.
Identifiers: ClinVar variation 1047520 (VCV001047520.8), dbSNP rs1241158971, ClinGen allele CA371145878.